The following is an entry in ClinVar:

ClinVar aggregate classification (germline): Uncertain significance. Review status: criteria provided, multiple submitters, no conflicts (2 of 4 stars). 2 submissions from 2 submitters: Uncertain significance (2). Last evaluated 2022-07-12.

Conditions:
Inborn genetic diseases. Identifiers: MedGen C0950123, MeSH D030342.

Submissions (2):

Labcorp Genetics (formerly Invitae), Labcorp
Classification: Uncertain significance. Last evaluated: 2022-07-12. Review status: criteria provided, single submitter. Criteria: Invitae Variant Classification Sherloc (09022015). Collection method: clinical testing. Allele origin: germline.
Comment: This variant is not present in population databases (gnomAD no frequency). This sequence change replaces histidine, which is basic and polar, with asparagine, which is neutral and polar, at codon 598 of the OBSL1 protein (p.His598Asn). This variant has not been reported in the literature in individuals affected with OBSL1-related conditions. ClinVar contains an entry for this variant (Variation ID: 1486939). Algorithms developed to predict the effect of missense changes on protein structure and function are either unavailable or do not agree on the potential impact of this missense change (SIFT: "Deleterious"; PolyPhen-2: "Probably Damaging"; Align-GVGD: "Class C0"). In summary, the available evidence is currently insufficient to determine the role of this variant in disease. Therefore, it has been classified as a Variant of Uncertain Significance.

Ambry Genetics
Classification: Uncertain significance for Inborn genetic diseases. Last evaluated: 2021-06-22. Review status: criteria provided, single submitter. Criteria: Ambry Variant Classification Scheme 2023. Collection method: clinical testing. Allele origin: germline.

NM_015311.3(OBSL1):c.1792C>A (p.His598Asn)

Gene: OBSL1 (obscurin like cytoskeletal adaptor 1; minus strand). Cytogenetic location: 2q35.
Variant type: single nucleotide variant.
Coding change: c.1792C>A on transcript NM_015311.3 (MANE Select); coding-DNA position 1792, C replaced by A.
Protein change: p.His598Asn; replaces histidine 598 with asparagine.
Molecular consequence: missense variant.
Genome position (GRCh38, 1-based): chr2:219,567,318, G>T on the plus strand (C>A on the coding strand, the complement: OBSL1 is on the minus strand). VCF-style: chr2-219567318-G-T. GRCh37 (hg19) VCF-style: chr2-220432040-G-T.
Other names: c.1792C>A, p.His598Asn (NM_001173408.2, NM_001173431.2); c.1792C>A (NM_015311.2); short protein forms H598N.
Identifiers: ClinVar variation 1486939 (VCV001486939.6), dbSNP rs766580836, ClinGen allele CA350755931.